The following is an entry in ClinVar:

ClinVar aggregate classification (germline): Uncertain significance (1 of 4 stars; one submission).

Conditions:
RYR1-related disorder. Also called: RYR1-related condition; RYR1-related disorders. Identifiers: MedGen CN239331.

Submission:

Labcorp Genetics (formerly Invitae), Labcorp
Classification: Uncertain significance for RYR1-related disorder. Last evaluated: 2025-12-05. Review status: criteria provided, single submitter. Criteria: Invitae Variant Classification Sherloc (09022015). Collection method: clinical testing. Allele origin: germline.
Comment: This sequence change replaces glutamine, which is neutral and polar, with histidine, which is basic and polar, at codon 2487 of the RYR1 protein (p.Gln2487His). This variant is not present in population databases (gnomAD no frequency). This variant has not been reported in the literature in individuals affected with RYR1-related conditions. Invitae Evidence Modeling of protein sequence and biophysical properties (such as structural, functional, and spatial information, amino acid conservation, physicochemical variation, residue mobility, and thermodynamic stability) has been performed for this missense variant. However, the output from this modeling did not meet the statistical confidence thresholds required to predict the impact of this variant on RYR1 protein function. In summary, the available evidence is currently insufficient to determine the role of this variant in disease. Therefore, it has been classified as a Variant of Uncertain Significance.

NM_000540.3(RYR1):c.7461G>C (p.Gln2487His)

Gene: RYR1 (ryanodine receptor 1; plus strand). Cytogenetic location: 19q13.2.
Variant type: single nucleotide variant.
Coding change: c.7461G>C on transcript NM_000540.3 (MANE Select); coding-DNA position 7461, G replaced by C.
Protein change: p.Gln2487His; replaces glutamine 2487 with histidine.
Molecular consequence: missense variant.
Genome position (GRCh38, 1-based): chr19:38,500,837, G>C. VCF-style: chr19-38500837-G-C. GRCh37 (hg19) VCF-style: chr19-38991477-G-C.
Other names: c.7461G>C, p.Gln2487His (NM_001042723.2); short protein forms Q2487H.
Identifiers: ClinVar variation 4770116 (VCV004770116.1).